The following is an entry in ClinVar:

NM_001267550.2(TTN):c.55892G>A (p.Trp18631Ter)

Genes: TTN-AS1 (TTN antisense RNA 1; plus strand), TTN (titin; minus strand). Cytogenetic location: 2q31.2.
Variant type: single nucleotide variant.
Coding change: c.55892G>A on transcript NM_001267550.2 (MANE Select); coding-DNA position 55892, G replaced by A.
Protein change: p.Trp18631Ter; replaces tryptophan 18631 with a stop codon.
Molecular consequence: nonsense.
Genome position (GRCh38, 1-based): chr2:178,601,012, C>T on the plus strand (G>A on the coding strand, the complement: TTN is on the minus strand). VCF-style: chr2-178601012-C-T. GRCh37 (hg19) VCF-style: chr2-179465739-C-T.
Other names: c.50969G>A, p.Trp16990Ter (NM_001256850.1); c.28697G>A, p.Trp9566Ter (NM_003319.4); c.48188G>A, p.Trp16063Ter (NM_133378.4); c.29072G>A, p.Trp9691Ter (NM_133432.3); c.29273G>A, p.Trp9758Ter (NM_133437.4); short protein forms W16063*, W16990*, W18631*, W9566*, W9691*, W9758*.
Identifiers: ClinVar variation 3759847 (VCV003759847.2).
Genomic context (GRCh38, chr2:178,601,012, plus strand): 5'-TCTACTAGGTCTTCAACAGTAAATTGCAGTTCTTCCACATCACGCTTATTGCACTGCCTC[C>T]AGGCTTCTTTCTTTGTCCCAGTAGGGTCCCATGCAAGGCACTCAACAATATAGTGGGTAA-3'

ClinVar aggregate classification (germline): Likely pathogenic (1 of 4 stars; one submission).

Conditions:
Dilated cardiomyopathy 1G (CMD1G). Identifiers: Orphanet 154, MedGen C1858763, MONDO:0011400, OMIM 604145.
Autosomal recessive limb-girdle muscular dystrophy type 2J (LGMDR10). Also called: Limb-girdle muscular dystrophy, type 2J; MUSCULAR DYSTROPHY, LIMB-GIRDLE, AUTOSOMAL RECESSIVE 10. Identifiers: Orphanet 140922, MedGen C1837342, MONDO:0012127, OMIM 608807.

Submission:

Labcorp Genetics (formerly Invitae), Labcorp
Classification: Likely pathogenic for Dilated cardiomyopathy 1G; Autosomal recessive limb-girdle muscular dystrophy type 2J. Last evaluated: 2024-11-21. Review status: criteria provided, single submitter. Criteria: Invitae Variant Classification Sherloc (09022015). Collection method: clinical testing. Allele origin: germline.
Comment: This sequence change creates a premature translational stop signal (p.Trp18631*) in the TTN gene. While this is not anticipated to result in nonsense mediated decay, it is expected to create a truncated TTN protein. This variant is not present in population databases (gnomAD no frequency). This variant has not been reported in the literature in individuals affected with TTN-related conditions. This variant is located in the A band of TTN (PMID: 25589632). Truncating variants in this region are significantly overrepresented in patients affected with dilated cardiomyopathy (PMID: 25589632). Truncating variants in this region have also been reported in individuals affected with autosomal recessive centronuclear myopathy (PMID: 23975875). In summary, the currently available evidence indicates that the variant is pathogenic, but additional data are needed to prove that conclusively. Therefore, this variant has been classified as Likely Pathogenic.

Literature cited by the submitters: PubMed 25589632; PubMed 23975875.